The following is an entry in ClinVar:

Conditions:
Long QT syndrome 5 (LQT5). Identifiers: Orphanet 101016, Orphanet 768, MedGen C1867904, MONDO:0013372, OMIM 613695.

Submission:

Roden Lab, Vanderbilt University Medical Center
No classification provided (evidence only). Condition: Long QT syndrome 5. Review status: no classification provided. Collection method: in vitro. Allele origin: not applicable. Functional consequence: Effect on ion channel function.
ClinVar note: "not provided" was previously submitted as the classification for the variant. However, the classification appeared to be based only on an observation of functional data so it was converted to no classification on 2025-07-30.

NM_000219.6(KCNE1):c.142C>G (p.Leu48Val)

Gene: KCNE1 (potassium voltage-gated channel subfamily E regulatory subunit 1; minus strand). Cytogenetic location: 21q22.12.
Variant type: single nucleotide variant.
Coding change: c.142C>G on transcript NM_000219.6 (MANE Select); coding-DNA position 142, C replaced by G.
Protein change: p.Leu48Val; replaces leucine 48 with valine.
Molecular consequence: missense variant.
Genome position (GRCh38, 1-based): chr21:34,449,493, G>C on the plus strand (C>G on the coding strand, the complement: KCNE1 is on the minus strand). VCF-style: chr21-34449493-G-C. GRCh37 (hg19) VCF-style: chr21-35821791-G-C.
Other names: c.142C>G, p.Leu48Val (NM_001127668.4, NM_001127669.4, NM_001127670.4 and 4 more transcripts); short protein forms L48V.
Identifiers: ClinVar variation 3374156 (VCV003374156.2).